The following is an entry in ClinVar:

NM_181552.4(CUX1):c.3170_3171del (p.Pro1057fs)

Gene: CUX1 (cut like homeobox 1; plus strand). Cytogenetic location: 7q22.1.
Variant type: Deletion.
Coding change: c.3170_3171del on transcript NM_181552.4 (MANE Select); coding-DNA positions 3170 to 3171, 2 bases deleted (CT; older notation c.3170_3171delCT).
Protein change: p.Pro1057fs; shifts the reading frame from proline 1057.
Molecular consequence: frameshift variant. On other transcripts: intron variant (5).
Genome position (GRCh38, 1-based): chr7:102,227,406-102,227,407, CT deleted. VCF-style (leftmost placement, unchanged base first): chr7-102227405-CCT-C. GRCh37 (hg19) VCF-style: chr7-101870685-CCT-C.
Other names: c.3203_3204del, p.Pro1068fs (NM_001202543.2); c.1255+31803_1255+31804del (NM_001913.5); c.1249+31803_1249+31804del (NM_181500.4); c.1117+31803_1117+31804del (NM_001202545.3); c.1207+31803_1207+31804del (NM_001202544.3); c.1138+31803_1138+31804del (NM_001202546.3); short protein forms P1057fs, P1068fs.
Identifiers: ClinVar variation 3239414 (VCV003239414.19), dbSNP rs2485982699.

ClinVar aggregate classification (germline): Likely pathogenic (1 of 4 stars; one submission).

Submission:

CeGaT Center for Human Genetics Tuebingen
Classification: Likely pathogenic. Last evaluated: 2024-05-01. Review status: criteria provided, single submitter. Criteria: CeGaT Center For Human Genetics Tuebingen Variant Classification Criteria Version 2. Collection method: clinical testing. Allele origin: germline. Affected: yes. Observed: 1 variant allele.
Comment: CUX1: PVS1:Strong, PM2